The following is an entry in ClinVar:

ClinVar aggregate classification (germline): Benign/Likely benign. Review status: criteria provided, multiple submitters, no conflicts (2 of 4 stars). 3 submissions from 3 submitters: Benign (2); Likely benign (1). Last evaluated 2026-05-13.

Allele frequency attached by ClinVar (database versions not stated): gnomAD 0.00005; gnomAD exomes 0.00012 and 0.00044; TOPMed 0.00017; 1000 Genomes Project 30x 0.00031; 1000 Genomes Project 0.00040; ExAC 0.00040.
gnomAD v4.1: 176 of 1,614,172 alleles (0.011%); highest among the groups gnomAD compares: East Asian, 0.27%; 1 homozygote.

Submissions (3):

Women's Health and Genetics/Laboratory Corporation of America, LabCorp
Classification: Benign. Last evaluated: 2026-05-13. Review status: criteria provided, single submitter. Criteria: LabCorp Variant Classification Summary - May 2015. Collection method: clinical testing. Allele origin: germline.

CeGaT Center for Human Genetics Tuebingen
Classification: Likely benign. Last evaluated: 2026-01-01. Review status: criteria provided, single submitter. Criteria: CeGaT Center For Human Genetics Tuebingen Variant Classification Criteria Version 2. Collection method: clinical testing. Allele origin: germline. Affected: yes. Observed: 1 variant allele.
Comment: RREB1: BP4, BP7

Labcorp Genetics (formerly Invitae), Labcorp
Classification: Benign. Last evaluated: 2019-12-31. Review status: criteria provided, single submitter. Criteria: Invitae Variant Classification Sherloc (09022015). Collection method: clinical testing. Allele origin: germline.

NM_001003699.4(RREB1):c.846C>T (p.His282=)

Gene: RREB1 (ras responsive element binding protein 1; plus strand). Cytogenetic location: 6p24.3.
Variant type: single nucleotide variant.
Coding change: c.846C>T on transcript NM_001003699.4 (MANE Select); coding-DNA position 846, C replaced by T.
Protein change: p.His282=; no amino-acid change (histidine 282 retained).
Molecular consequence: synonymous variant.
Genome position (GRCh38, 1-based): chr6:7,226,605, C>T. VCF-style: chr6-7226605-C-T. GRCh37 (hg19) VCF-style: chr6-7226838-C-T.
Other names: c.846C>T, p.His282= (NM_001003698.4, NM_001003700.2, NM_001168344.2).
Identifiers: ClinVar variation 711333 (VCV000711333.9), dbSNP rs115003447, ClinGen allele CA3625383.